The following is an entry in ClinVar:

NM_001379291.1(BRD4):c.2158+2376C>T

Gene: BRD4 (bromodomain containing 4; minus strand). Cytogenetic location: 19p13.12.
Variant type: single nucleotide variant.
Coding change: c.2158+2376C>T on transcript NM_001379291.1 (MANE Select); 2376 bases into the intron after coding-DNA position 2158, C replaced by T.
Molecular consequence: intron variant.
Genome position (GRCh38, 1-based): chr19:15,251,776, G>A on the plus strand (C>T on the coding strand, the complement: BRD4 is on the minus strand). VCF-style: chr19-15251776-G-A. GRCh37 (hg19) VCF-style: chr19-15362587-G-A.
Other names: c.2158+2376C>T (NM_058243.3, NM_001379292.1, NM_014299.3).
Identifiers: ClinVar variation 2649478 (VCV002649478.24), dbSNP rs144905527, ClinGen allele CA305797734.

ClinVar aggregate classification (germline): Likely benign (1 of 4 stars; one submission).

Allele frequency attached by ClinVar (database versions not stated): 1000 Genomes Project 30x 0.00016; 1000 Genomes Project 0.00020; TOPMed 0.00179.
gnomAD v4.1: 295 of 152,306 alleles (0.19%); highest among the groups gnomAD compares: Middle Eastern, 1%; no homozygotes.

Submission:

CeGaT Center for Human Genetics Tuebingen
Classification: Likely benign. Last evaluated: 2026-09-01. Review status: criteria provided, single submitter. Criteria: CeGaT Center For Human Genetics Tuebingen Variant Classification Criteria Version 2. Collection method: clinical testing. Allele origin: germline. Affected: yes. Observed: 4 variant alleles.
Comment: BRD4: BS1